The following is an entry in ClinVar:

ClinVar aggregate classification (germline): Pathogenic (1 of 4 stars; one submission).

Submission:

Labcorp Genetics (formerly Invitae), Labcorp
Classification: Pathogenic. Last evaluated: 2025-03-18. Review status: criteria provided, single submitter. Criteria: Invitae Variant Classification Sherloc (09022015). Collection method: clinical testing. Allele origin: germline.
Comment: This sequence change creates a premature translational stop signal (p.Ile381Asnfs*4) in the NBAS gene. It is expected to result in an absent or disrupted protein product. Loss-of-function variants in NBAS are known to be pathogenic (PMID: 26073778, 26541327, 27789416, 28031453). The frequency data for this variant in the population databases is considered unreliable, as metrics indicate poor data quality at this position in the gnomAD database. This variant has not been reported in the literature in individuals affected with NBAS-related conditions. ClinVar contains an entry for this variant (Variation ID: 1324782). For these reasons, this variant has been classified as Pathogenic.

Literature cited by the submitters: PubMed 26073778; PubMed 26541327; PubMed 27789416; PubMed 28031453.

NM_015909.4(NBAS):c.1141dup (p.Ile381fs)

Gene: NBAS (NBAS subunit of NRZ tethering complex; minus strand). Cytogenetic location: 2p24.3.
Variant type: Duplication.
Coding change: c.1141dup on transcript NM_015909.4 (MANE Select); coding-DNA position 1141, one base duplicated (A; older notation c.1141dupA).
Protein change: p.Ile381fs; shifts the reading frame from isoleucine 381.
Molecular consequence: frameshift variant. On other transcripts: non-coding transcript variant (1).
Genome position (GRCh38, 1-based): chr2:15,478,232, T duplicated on the plus strand (A on the coding strand, the reverse complement: NBAS is on the minus strand); the first of 8 consecutive T bases (chr2:15,478,232-15,478,239); duplicating any one gives the same sequence. VCF-style (leftmost placement, unchanged base first): chr2-15478231-A-AT. GRCh37 (hg19) VCF-style: chr2-15618355-A-AT.
Other names: short protein forms I381fs.
Identifiers: ClinVar variation 1324782 (VCV001324782.6), dbSNP rs772472509, ClinGen allele CA1536776.